The following is an entry in ClinVar:

ClinVar aggregate classification (germline): Uncertain significance (1 of 4 stars; one submission).

Allele frequency attached by ClinVar (database versions not stated): gnomAD 0.00001; TOPMed 0.00001; ExAC 0.00002; ESP Exome Variant Server 0.00008.
gnomAD v4.1: 27 of 1,613,516 alleles (0.0017%); highest among the groups gnomAD compares: Non-Finnish European, 0.0022%; no homozygotes.

Submission:

Labcorp Genetics (formerly Invitae), Labcorp
Classification: Uncertain significance. Last evaluated: 2025-09-01. Review status: criteria provided, single submitter. Criteria: Invitae Variant Classification Sherloc (09022015). Collection method: clinical testing. Allele origin: germline.
Comment: This sequence change falls in intron 4 of the ARCN1 gene. It does not directly change the encoded amino acid sequence of the ARCN1 protein. It affects a nucleotide within the consensus splice site. This variant is present in population databases (rs367830871, gnomAD 0.0009%). This variant has not been reported in the literature in individuals affected with ARCN1-related conditions. ClinVar contains an entry for this variant (Variation ID: 1923459). Variants that disrupt the consensus splice site are a relatively common cause of aberrant splicing (PMID: 17576681, 9536098). Algorithms developed to predict the effect of sequence changes on RNA splicing suggest that this variant is not likely to affect RNA splicing. In summary, the available evidence is currently insufficient to determine the role of this variant in disease. Therefore, it has been classified as a Variant of Uncertain Significance.

Literature cited by the submitters: PubMed 17576681; PubMed 9536098.

NM_001655.5(ARCN1):c.653+4T>C

Gene: ARCN1 (archain 1 coat protein complex I subunit delta; plus strand). Cytogenetic location: 11q23.3.
Variant type: single nucleotide variant.
Coding change: c.653+4T>C on transcript NM_001655.5 (MANE Select); 4 bases into the intron after coding-DNA position 653, T replaced by C.
Molecular consequence: intron variant.
Genome position (GRCh38, 1-based): chr11:118,584,018, T>C. VCF-style: chr11-118584018-T-C. GRCh37 (hg19) VCF-style: chr11-118454733-T-C.
Other names: c.389+4T>C (NM_001142281.2).
Identifiers: ClinVar variation 1923459 (VCV001923459.5), dbSNP rs367830871, ClinGen allele CA6306102.